The following is an entry in ClinVar:

NM_000535.7(PMS2):c.457A>T (p.Arg153Ter)

Gene: PMS2 (PMS1 homolog 2, mismatch repair system component; minus strand). Cytogenetic location: 7p22.1.
Variant type: single nucleotide variant.
Coding change: c.457A>T on transcript NM_000535.7 (MANE Select); coding-DNA position 457, A replaced by T.
Protein change: p.Arg153Ter; replaces arginine 153 with a stop codon.
Molecular consequence: nonsense. On other transcripts: 5 prime UTR variant (2), non-coding transcript variant (1).
Genome position (GRCh38, 1-based): chr7:6,002,533, T>A on the plus strand (A>T on the coding strand, the complement: PMS2 is on the minus strand). VCF-style: chr7-6002533-T-A. GRCh37 (hg19) VCF-style: chr7-6042164-T-A.
Other names: c.52A>T, p.Arg18Ter (NM_001018040.1, NM_001322003.2, NM_001322004.2 and 25 more transcripts); c.457A>T, p.Arg153Ter (NM_001322006.2, NM_001322014.2, NM_001406869.1 and 8 more transcripts); c.139A>T, p.Arg47Ter (NM_001322007.2, NM_001322008.2, NM_001406876.1 and 4 more transcripts); c.-428A>T (NM_001322011.2, NM_001322012.2); c.148A>T, p.Arg50Ter (NM_001322015.2, NM_001406875.1, NM_001406877.1 and 6 more transcripts); c.643A>T, p.Arg215Ter (NM_001406866.1); c.481A>T, p.Arg161Ter (NM_001406868.1); short protein forms R161*, R47*, R153*, R18*, R215*, R50*.
Identifiers: ClinVar variation 2002192 (VCV002002192.4), dbSNP rs779013546, ClinGen allele CA366744315.

ClinVar aggregate classification (germline): Pathogenic (1 of 4 stars; one submission).

Conditions:
Hereditary nonpolyposis colorectal neoplasms. Identifiers: MedGen C0009405, MeSH D003123.

Submission:

Labcorp Genetics (formerly Invitae), Labcorp
Classification: Pathogenic for Hereditary nonpolyposis colorectal neoplasms. Last evaluated: 2022-06-03. Review status: criteria provided, single submitter. Criteria: Invitae Variant Classification Sherloc (09022015). Collection method: clinical testing. Allele origin: germline.
Comment: This sequence change creates a premature translational stop signal (p.Arg153*) in the PMS2 gene. It is expected to result in an absent or disrupted protein product. Loss-of-function variants in PMS2 are known to be pathogenic (PMID: 21376568, 24362816). This variant is not present in population databases (gnomAD no frequency). This variant has not been reported in the literature in individuals affected with PMS2-related conditions. For these reasons, this variant has been classified as Pathogenic.

Literature cited by the submitters: PubMed 21376568; PubMed 24362816.